The following is an entry in ClinVar:

ClinVar aggregate classification (germline): Pathogenic/Likely pathogenic. Review status: criteria provided, multiple submitters, no conflicts (2 of 4 stars). 5 submissions from 5 submitters: Pathogenic (1); Likely pathogenic (3). 1 of the submissions does not count toward it. Last evaluated 2025-03-05.

Conditions:
Polycystic kidney disease 4 (PKD4). Also called: POLYCYSTIC KIDNEY AND HEPATIC DISEASE 1; POLYCYSTIC KIDNEY DISEASE, INFANTILE, TYPE I; POLYCYSTIC KIDNEY DISEASE 4 WITH OR WITHOUT POLYCYSTIC LIVER DISEASE; PKD3; Autosomal Recessive Polycystic Kidney Disease – PKHD1. Identifiers: MedGen C4540575, MONDO:0033004, OMIM 263200.
Autosomal recessive polycystic kidney disease (ARPKD). Also called: AR polycystic kidney disease. Identifiers: Orphanet 731, Orphanet 8378, MedGen C0085548, MeSH D017044, MONDO:0009889.

Allele frequency attached by ClinVar (database versions not stated): TOPMed below 0.00001.

Submissions (5):

Natera, Inc.
Classification: Likely pathogenic for Autosomal recessive polycystic kidney disease. Last evaluated: 2025-03-05. Review status: criteria provided, single submitter. Criteria: Natera Variant Classification Schema (03/2026). Collection method: clinical testing. Allele origin: germline.
Comment: The c.5752-2A>G variant in PKHD1 is a canonical splice acceptor site variant predicted to affect pre-mRNA splicing, which may result in an abnormal transcript and altered protein product. This variant is expected to result in nonsense mediated decay, truncation, or a dysfunctional protein product. This variant is rare in the general population with a frequency below the threshold expected for the associated phenotype(s). Given the available evidence, this variant is classified as Likely Pathogenic.

Fulgent Genetics
Classification: Likely pathogenic for Polycystic kidney disease 4. Last evaluated: 2024-02-21. Review status: criteria provided, single submitter. Criteria: ACMG Guidelines, 2015. Collection method: clinical testing. Allele origin: germline.

Labcorp Genetics (formerly Invitae), Labcorp
Classification: Likely pathogenic for Autosomal recessive polycystic kidney disease. Last evaluated: 2023-07-19. Review status: criteria provided, single submitter. Criteria: Invitae Variant Classification Sherloc (09022015). Collection method: clinical testing. Allele origin: germline.
Comment: This sequence change affects an acceptor splice site in intron 35 of the PKHD1 gene. It is expected to disrupt RNA splicing. Variants that disrupt the donor or acceptor splice site typically lead to a loss of protein function (PMID: 16199547), and loss-of-function variants in PKHD1 are known to be pathogenic (PMID: 19940839). This variant is not present in population databases (gnomAD no frequency). This variant has not been reported in the literature in individuals affected with PKHD1-related conditions. ClinVar contains an entry for this variant (Variation ID: 370333). Algorithms developed to predict the effect of sequence changes on RNA splicing suggest that this variant may disrupt the consensus splice site. In summary, the currently available evidence indicates that the variant is pathogenic, but additional data are needed to prove that conclusively. Therefore, this variant has been classified as Likely Pathogenic.

Baylor Genetics
Classification: Pathogenic for Polycystic kidney disease 4. Last evaluated: 2020-09-27. Review status: criteria provided, single submitter. Criteria: ACMG Guidelines, 2015. Collection method: clinical testing. Allele origin: unknown. Affected: yes.
Comment: This variant was determined to be pathogenic according to ACMG Guidelines, 2015 [PMID:25741868].

Counsyl
Classification: Likely pathogenic for Polycystic kidney disease 4. Last evaluated: 2016-01-15. Review status: no assertion criteria provided. Collection method: clinical testing. Allele origin: unknown. Not counted in ClinVar's aggregate classification.

Literature cited by the submitters: PubMed 16199547 (cited by Labcorp Genetics (formerly Invitae), Labcorp); PubMed 19940839 (cited by Labcorp Genetics (formerly Invitae), Labcorp).

NM_138694.4(PKHD1):c.5752-2A>G

Gene: PKHD1 (PKHD1 ciliary IPT domain containing fibrocystin/polyductin; minus strand). Cytogenetic location: 6p12.2.
Variant type: single nucleotide variant.
Coding change: c.5752-2A>G on transcript NM_138694.4 (MANE Select); the canonical splice acceptor site of the intron before coding-DNA position 5752, A replaced by G.
Molecular consequence: splice acceptor variant.
Genome position (GRCh38, 1-based): chr6:51,960,028, T>C on the plus strand (A>G on the coding strand, the complement: PKHD1 is on the minus strand). VCF-style: chr6-51960028-T-C. GRCh37 (hg19) VCF-style: chr6-51824826-T-C.
Other names: c.5752-2A>G (NM_170724.3).
Identifiers: ClinVar variation 370333 (VCV000370333.19), dbSNP rs1057516407, ClinGen allele CA16041049.